The following is an entry in ClinVar:

NM_003797.5(EED):c.408A>T (p.Gln136His)

Gene: EED (embryonic ectoderm development; plus strand). Cytogenetic location: 11q14.2.
Variant type: single nucleotide variant.
Coding change: c.408A>T on transcript NM_003797.5 (MANE Select); coding-DNA position 408, A replaced by T.
Protein change: p.Gln136His; replaces glutamine 136 with histidine.
Molecular consequence: missense variant.
Genome position (GRCh38, 1-based): chr11:86,255,269, A>T. VCF-style: chr11-86255269-A-T. GRCh37 (hg19) VCF-style: chr11-85966311-A-T.
Other names: c.408A>T, p.Gln136His (NM_001308007.2, NM_001330334.2); short protein forms Q136H.
Identifiers: ClinVar variation 2580807 (VCV002580807.1), dbSNP rs367879986, ClinGen allele CA225323962.

ClinVar aggregate classification (germline): Uncertain significance (1 of 4 stars; one submission).

gnomAD v4.1: 5 of 1,609,998 alleles (0.00031%); highest among the groups gnomAD compares: African/African-American, 0.0013%; no homozygotes.

Submission:

GeneDx
Classification: Uncertain significance. Last evaluated: 2023-03-17. Review status: criteria provided, single submitter. Criteria: GeneDx Variant Classification Process June 2021. Collection method: clinical testing. Allele origin: germline. Affected: yes.
Comment: Not observed at significant frequency in large population cohorts (gnomAD); In silico analysis supports that this missense variant has a deleterious effect on protein structure/function; Has not been previously published as pathogenic or benign to our knowledge